The following is an entry in ClinVar:

ClinVar aggregate classification (germline): Benign (0 of 4 stars; one submission).

Conditions:
ALPK2-related disorder. Also called: ALPK2-related condition.

Allele frequency attached by ClinVar (database versions not stated): 1000 Genomes Project 30x 0.92661; 1000 Genomes Project 0.93051; ESP Exome Variant Server 0.93126; TOPMed 0.93136; gnomAD 0.93835; ExAC 0.97774; gnomAD exomes 0.99144.
gnomAD v4.1: 1,591,554 of 1,614,000 alleles (99%); highest among the groups gnomAD compares: East Asian, 100%; 786,174 homozygotes.

Submission:

PreventionGenetics, part of Exact Sciences
Classification: Benign for ALPK2-related condition. Last evaluated: 2019-10-28. Review status: no assertion criteria provided. Collection method: clinical testing. Allele origin: germline.
Comment: This variant is classified as benign based on ACMG/AMP sequence variant interpretation guidelines (Richards et al. 2015 PMID: 25741868, with internal and published modifications).

NM_052947.4(ALPK2):c.5001A>G (p.Lys1667=)

Genes: ALPK2 (alpha kinase 2; minus strand), LOC130062577 (ATAC-STARR-seq lymphoblastoid active region 13389; plus strand). Cytogenetic location: 18q21.31.
Variant type: single nucleotide variant.
Coding change: c.5001A>G on transcript NM_052947.4 (MANE Select); coding-DNA position 5001, A replaced by G.
Protein change: p.Lys1667=; no amino-acid change (lysine 1667 retained).
Molecular consequence: synonymous variant.
Genome position (GRCh38, 1-based): chr18:58,535,186, T>C on the plus strand (A>G on the coding strand, the complement: ALPK2 is on the minus strand). VCF-style: chr18-58535186-T-C. GRCh37 (hg19) VCF-style: chr18-56202418-T-C.
Identifiers: ClinVar variation 3060949 (VCV003060949.2), dbSNP rs10469212, ClinGen allele CA8976600.